The following is an entry in ClinVar:

ClinVar aggregate classification (germline): Uncertain significance. Review status: criteria provided, multiple submitters, no conflicts (2 of 4 stars). 2 submissions from 2 submitters: Uncertain significance (2). Last evaluated 2025-10-07.

Allele frequency attached by ClinVar (database versions not stated): gnomAD exomes 0.00001; TOPMed 0.00001.
gnomAD v4.1: 11 of 1,210,303 alleles (0.00091%); highest among the groups gnomAD compares: South Asian, 0.0035%; no homozygotes.

Submissions (2):

Ambry Genetics
Classification: Uncertain significance. Last evaluated: 2025-10-07. Review status: criteria provided, single submitter. Criteria: Ambry Variant Classification Scheme 2023. Collection method: clinical testing. Allele origin: germline.

CeGaT Center for Human Genetics Tuebingen
Classification: Uncertain significance. Last evaluated: 2022-04-01. Review status: criteria provided, single submitter. Criteria: CeGaT Center For Human Genetics Tuebingen Variant Classification Criteria Version 2. Collection method: clinical testing. Allele origin: germline. Affected: yes. Observed: 1 variant allele.
Comment: SLC9A7: PS2:Moderate

NM_001257291.2(SLC9A7):c.520C>T (p.Arg174Trp)

Gene: SLC9A7 (solute carrier family 9 member A7; minus strand). Cytogenetic location: Xp11.3.
Variant type: single nucleotide variant.
Coding change: c.520C>T on transcript NM_001257291.2 (MANE Select); coding-DNA position 520, C replaced by T.
Protein change: p.Arg174Trp; replaces arginine 174 with tryptophan.
Molecular consequence: missense variant.
Genome position (GRCh38, 1-based): chrX:46,682,341, G>A on the plus strand (C>T on the coding strand, the complement: SLC9A7 is on the minus strand). VCF-style: chrX-46682341-G-A. GRCh37 (hg19) VCF-style: chrX-46541776-G-A.
Other names: c.520C>T, p.Arg174Trp (NM_032591.3); c.520C>T (NM_032591.1); short protein forms R174W.
Identifiers: ClinVar variation 2660392 (VCV002660392.24), dbSNP rs1389804379, ClinGen allele CA413033768.
Genomic context (GRCh38, chrX:46,682,341, plus strand): 5'-GTCAGGGAATCAACAACCATGTCAGGACAAGGATGGCTGAGTGTCCCCAGCTCACCTTCC[G>A]TAGCATATCATTCTGCTCTACGCTGTTGATCTTGCCAGGACTGATTTCTCCTTTCAGAGT-3'
Protein context (NP_001244220.1, residues 164-184): INSVEQNDML[Arg174Trp]KVTFDPEVFF